The following is an entry in ClinVar:

NM_000059.4(BRCA2):c.1885C>G (p.Leu629Val)

Gene: BRCA2 (BRCA2 DNA repair associated; plus strand). Cytogenetic location: 13q13.1.
Variant type: single nucleotide variant.
Coding change: c.1885C>G on transcript NM_000059.4 (MANE Select); coding-DNA position 1885, C replaced by G.
Protein change: p.Leu629Val; replaces leucine 629 with valine.
Molecular consequence: missense variant.
Genome position (GRCh38, 1-based): chr13:32,333,363, C>G. VCF-style: chr13-32333363-C-G. GRCh37 (hg19) VCF-style: chr13-32907500-C-G.
Other names: short protein forms L629V.
Identifiers: ClinVar variation 617995 (VCV000617995.10), dbSNP rs398122734, ClinGen allele CA387766684.

ClinVar aggregate classification (germline): Conflicting classifications of pathogenicity. Review status: criteria provided, conflicting classifications (1 of 4 stars). 2 submissions from 2 submitters: Uncertain significance (1); Likely benign (1). Last evaluated 2023-03-23.

Conditions:
Hereditary cancer-predisposing syndrome. Also called: Neoplastic Syndromes, Hereditary; Hereditary neoplastic syndrome; Tumor predisposition; Hereditary Cancer Syndrome. Identifiers: Orphanet 140162, MedGen C0027672, MeSH D009386, MONDO:0015356.

Submissions (2):

University of Washington Department of Laboratory Medicine, University of Washington
Classification: Likely benign for Hereditary cancer-predisposing syndrome. Last evaluated: 2023-03-23. Review status: criteria provided, single submitter. Criteria: Dines et al. (Genet Med. 2020). Collection method: curation. Allele origin: germline.
Comment: Missense variant in a coldspot region where missense variants are very unlikely to be pathogenic (PMID:31911673).

BRCA2 exon 10 coldspot. Reclassification based on statistical prior probability.

ARUP Laboratories, Molecular Genetics and Genomics, ARUP Laboratories
Classification: Uncertain significance. Last evaluated: 2018-01-18. Review status: criteria provided, single submitter. Criteria: ARUP Molecular Germline Variant Investigation Process. Collection method: clinical testing. Allele origin: germline.
Comment: The BRCA2 c.1885C>G; p.Leu629Val variant is not reported in the literature and is absent from the general population databases (1000 Genomes Project, Exome Variant Server, Genome Aggregation Database), indicating it is not a polymorphism. The leucine at codon 629 is weakly conserved and computational algorithms (SIFT, PolyPhen2, MutationTaster) predict this variant to be tolerated. Considering available information, this variant cannot be classified with certainty.